The following is an entry in ClinVar:

NM_000540.3(RYR1):c.2990G>A (p.Arg997Gln)

Gene: RYR1 (ryanodine receptor 1; plus strand). Cytogenetic location: 19q13.2.
Variant type: single nucleotide variant.
Coding change: c.2990G>A on transcript NM_000540.3 (MANE Select); coding-DNA position 2990, G replaced by A.
Protein change: p.Arg997Gln; replaces arginine 997 with glutamine.
Molecular consequence: missense variant.
Genome position (GRCh38, 1-based): chr19:38,466,210, G>A. VCF-style: chr19-38466210-G-A. GRCh37 (hg19) VCF-style: chr19-38956850-G-A.
Other names: c.2990G>A, p.Arg997Gln (NM_001042723.2); short protein forms R997Q.
Identifiers: ClinVar variation 3436537 (VCV003436537.2).
Genomic context (GRCh38, chr19:38,466,210, plus strand): 5'-CGCCGGCGCAGACGACACTGGTGGACCGTCTGGCAGAAAATGGGCACAACGTGTGGGCCC[G>A]AGACCGCGTGGGCCAGGGCTGGAGCTACAGCGCAGTGCAGGACATCCCAGCGCGCCGAAA-3'
Protein context (NP_000531.2, residues 987-1007): LAENGHNVWA[Arg997Gln]DRVGQGWSYS

ClinVar aggregate classification (germline): Uncertain significance. Review status: criteria provided, multiple submitters, no conflicts (2 of 4 stars). 2 submissions from 2 submitters: Uncertain significance (2). Last evaluated 2024-08-20.

Conditions:
Inborn genetic diseases. Identifiers: MedGen C0950123, MeSH D030342.
Malignant hyperthermia, susceptibility to, 1 (MHS1). Also called: Anesthesia related hyperthermia; Malignant hyperpyrexia; Fulminating hyperpyrexia; Pharmacogenic myopathy; RYR1-Related Malignant Hyperthermia Susceptibility; Malignant hyperthermia suceptibility 1. Identifiers: Orphanet 423, MedGen C2930980, MONDO:0007783, OMIM 145600.

gnomAD v4.1: 22 of 1,613,312 alleles (0.0014%); highest among the groups gnomAD compares: East Asian, 0.013%; no homozygotes.

Submissions (2):

Ambry Genetics
Classification: Uncertain significance for Inborn genetic diseases. Last evaluated: 2024-08-20. Review status: criteria provided, single submitter. Criteria: Ambry Variant Classification Scheme 2023. Collection method: clinical testing. Allele origin: germline.

Color Diagnostics, LLC DBA Color Health
Classification: Uncertain significance for Malignant hyperthermia, susceptibility to, 1. Last evaluated: 2024-02-06. Review status: criteria provided, single submitter. Criteria: ACMG Guidelines, 2015. Collection method: clinical testing. Allele origin: germline.
Comment: This missense variant replaces arginine with glutamine at codon 997 of the RYR1 protein. Computational prediction is inconclusive regarding the impact of this variant on protein structure and function. To our knowledge, functional studies have not been reported for this variant. This variant has not been reported in individuals affected with RYR1-related disorders in the literature. This variant has been identified in 10/280586 chromosomes in the general population by the Genome Aggregation Database (gnomAD). The available evidence is insufficient to determine the role of this variant in disease conclusively. Therefore, this variant is classified as a Variant of Uncertain Significance.